The following is an entry in ClinVar:

ClinVar aggregate classification (germline): Uncertain significance (1 of 4 stars; one submission).

Conditions:
Cardiovascular phenotype. Identifiers: MedGen CN230736.

Allele frequency attached by ClinVar (database versions not stated): gnomAD exomes below 0.00001.
gnomAD v4.1: 4 of 1,614,126 alleles (0.00025%); highest among the groups gnomAD compares: Non-Finnish European, 0.00017%; no homozygotes.

Submission:

Ambry Genetics
Classification: Uncertain significance for Cardiovascular phenotype. Last evaluated: 2024-04-04. Review status: criteria provided, single submitter. Criteria: Ambry Variant Classification Scheme 2023. Collection method: clinical testing. Allele origin: germline.
Comment: The p.S350F variant (also known as c.1049C>T), located in coding exon 7 of the LPL gene, results from a C to T substitution at nucleotide position 1049. The serine at codon 350 is replaced by phenylalanine, an amino acid with highly dissimilar properties. This amino acid position is conserved. In addition, this alteration is predicted to be tolerated by in silico analysis. Since supporting evidence is limited at this time, the clinical significance of this alteration remains unclear.

NM_000237.3(LPL):c.1049C>T (p.Ser350Phe)

Gene: LPL (lipoprotein lipase; plus strand). Cytogenetic location: 8p21.3.
Variant type: single nucleotide variant.
Coding change: c.1049C>T on transcript NM_000237.3 (MANE Select); coding-DNA position 1049, C replaced by T.
Protein change: p.Ser350Phe; replaces serine 350 with phenylalanine.
Molecular consequence: missense variant.
Genome position (GRCh38, 1-based): chr8:19,959,290, C>T. VCF-style: chr8-19959290-C-T. GRCh37 (hg19) VCF-style: chr8-19816801-C-T.
Other names: short protein forms S350F.
Identifiers: ClinVar variation 1776386 (VCV001776386.3), dbSNP rs199912722, ClinGen allele CA173617767.
Genomic context (GRCh38, chr8:19,959,290, plus strand): 5'-ATCAACATGTTCGAATTTCCTCCCCAACAGTCTTCCATTACCAAGTAAAGATTCATTTTT[C>T]TGGGACTGAGAGTGAAACCCATACCAATCAGGCCTTTGAGATTTCTCTGTATGGCACCGT-3'
Protein context (NP_000228.1, residues 340-360): VFHYQVKIHF[Ser350Phe]GTESETHTNQ